The following is an entry in ClinVar:

ClinVar aggregate classification (germline): Conflicting classifications of pathogenicity. Review status: criteria provided, conflicting classifications (1 of 4 stars). 2 submissions from 2 submitters: Uncertain significance (1); Likely benign (1). Last evaluated 2024-10-17.

Conditions:
KMT2C-related disorder. Also called: KMT2C-related condition; KMT2C-related disorders.
Inborn genetic diseases. Identifiers: MedGen C0950123, MeSH D030342.

Allele frequency attached by ClinVar (database versions not stated): ExAC 0.00001; gnomAD 0.00001; gnomAD exomes 0.00001; TOPMed 0.00001.
gnomAD v4.1: 9 of 1,614,064 alleles (0.00056%); highest among the groups gnomAD compares: Admixed American, 0.0067%; no homozygotes.

Submissions (2):

PreventionGenetics, part of Exact Sciences
Classification: Uncertain significance for KMT2C-related condition. Last evaluated: 2024-10-17. Review status: criteria provided, single submitter. Criteria: ACMG Guidelines, 2015. Collection method: clinical testing. Allele origin: germline.
Comment: The KMT2C c.8950T>C variant is predicted to result in the amino acid substitution p.Ser2984Pro. To our knowledge, this variant has not been reported in the literature. This variant is reported in 0.0087% of alleles in individuals of Latino descent in gnomAD. At this time, the clinical significance of this variant is uncertain due to the absence of conclusive functional and genetic evidence.

Ambry Genetics
Classification: Likely benign for Inborn genetic diseases. Last evaluated: 2022-03-23. Review status: criteria provided, single submitter. Criteria: Ambry Variant Classification Scheme 2023. Collection method: clinical testing. Allele origin: germline.

NM_170606.3(KMT2C):c.8950T>C (p.Ser2984Pro)

Gene: KMT2C (lysine methyltransferase 2C; minus strand). Cytogenetic location: 7q36.1.
Variant type: single nucleotide variant.
Coding change: c.8950T>C on transcript NM_170606.3 (MANE Select); coding-DNA position 8950, T replaced by C.
Protein change: p.Ser2984Pro; replaces serine 2984 with proline.
Molecular consequence: missense variant.
Genome position (GRCh38, 1-based): chr7:152,176,503, A>G on the plus strand (T>C on the coding strand, the complement: KMT2C is on the minus strand). VCF-style: chr7-152176503-A-G. GRCh37 (hg19) VCF-style: chr7-151873588-A-G.
Other names: short protein forms S2984P.
Identifiers: ClinVar variation 2214983 (VCV002214983.3), dbSNP rs758953311, ClinGen allele CA4579589.